The following is an entry in ClinVar:

NM_032043.3(BRIP1):c.3093T>C (p.Ser1031=)

Gene: BRIP1 (BRCA1 interacting DNA helicase 1; minus strand). Cytogenetic location: 17q23.2.
Variant type: single nucleotide variant.
Coding change: c.3093T>C on transcript NM_032043.3 (MANE Select); coding-DNA position 3093, T replaced by C.
Protein change: p.Ser1031=; no amino-acid change (serine 1031 retained).
Molecular consequence: synonymous variant.
Genome position (GRCh38, 1-based): chr17:61,683,953, A>G on the plus strand (T>C on the coding strand, the complement: BRIP1 is on the minus strand). VCF-style: chr17-61683953-A-G. GRCh37 (hg19) VCF-style: chr17-59761314-A-G.
Identifiers: ClinVar variation 391475 (VCV000391475.24), dbSNP rs937490699, ClinGen allele CA16607407.
Genomic context (GRCh38, chr17:61,683,953, plus strand): 5'-ATCAGTGAAGGGCAAAACAGTTTTACTTTCCATCTTCTCTGTTTTGAAACGGGGAGGACT[A>G]GAGGCACTATTCTCTGATGACCCGAGCTCAGGTGTTGCCTTCGGTATTTTACCAGTAAAA-3'
Protein context (NP_114432.2, residues 1021-1041): PELGSSENSA[Ser1031=]SPPRFKTEKM

ClinVar aggregate classification (germline): Conflicting classifications of pathogenicity. Review status: criteria provided, conflicting classifications (1 of 4 stars). 6 submissions from 6 submitters: Uncertain significance (1); Benign (1); Likely benign (4). Last evaluated 2026-05-15.

Conditions:
Familial cancer of breast. Also called: hereditary breast carcinoma; BREAST CANCER, FAMILIAL; Hereditary breast cancer. Identifiers: Orphanet 227535, MedGen C0346153, MONDO:0016419, OMIM 114480. Disease mechanism: loss of function.
Hereditary cancer-predisposing syndrome. Also called: Neoplastic Syndromes, Hereditary; Hereditary neoplastic syndrome; Hereditary Cancer Syndrome; Tumor predisposition. Identifiers: Orphanet 140162, MedGen C0027672, MeSH D009386, MONDO:0015356.
Fanconi anemia complementation group J. Also called: BRIP1-Related Fanconi Anemia. Identifiers: Orphanet 84, MedGen C1836860, MONDO:0012187, OMIM 609054.

Allele frequency attached by ClinVar (database versions not stated): gnomAD exomes below 0.00001; gnomAD 0.00001; TOPMed 0.00003.
gnomAD v4.1: 5 of 1,614,076 alleles (0.00031%); highest among the groups gnomAD compares: African/African-American, 0.0053%; no homozygotes.

Submissions (6):

Women's Health and Genetics/Laboratory Corporation of America, LabCorp
Classification: Likely benign. Last evaluated: 2026-05-15. Review status: criteria provided, single submitter. Criteria: LabCorp Variant Classification Summary - May 2015. Collection method: clinical testing. Allele origin: germline.

Labcorp Genetics (formerly Invitae), Labcorp
Classification: Likely benign for Familial cancer of breast; Fanconi anemia complementation group J. Last evaluated: 2025-11-23. Review status: criteria provided, single submitter. Criteria: Invitae Variant Classification Sherloc (09022015). Collection method: clinical testing. Allele origin: germline.

Myriad Genetics, Inc.
Classification: Benign for Familial cancer of breast. Last evaluated: 2024-09-09. Review status: criteria provided, single submitter. Criteria: Myriad Autosomal Dominant, Autosomal Recessive and X-Linked Classification Criteria (2023). Collection method: clinical testing. Allele origin: unknown.
Comment: This variant is considered benign. This variant is a silent/synonymous amino acid change and it is not expected to impact splicing.

GeneDx
Classification: Likely benign. Last evaluated: 2020-07-30. Review status: criteria provided, single submitter. Criteria: GeneDx Variant Classification Process June 2021. Collection method: clinical testing. Allele origin: germline. Affected: yes.

Ambry Genetics
Classification: Likely benign for Hereditary cancer-predisposing syndrome. Last evaluated: 2019-11-01. Review status: criteria provided, single submitter. Criteria: Ambry Variant Classification Scheme 2023. Collection method: clinical testing. Allele origin: germline.

Illumina Laboratory Services, Illumina
Classification: Uncertain significance for Fanconi anemia complementation group J. Last evaluated: 2018-01-13. Review status: criteria provided, single submitter. Criteria: ICSL Variant Classification Criteria 13 December 2019. Collection method: clinical testing. Allele origin: germline.